The following is an entry in ClinVar:

ClinVar aggregate classification (germline): Uncertain significance. Review status: criteria provided, multiple submitters, no conflicts (2 of 4 stars). 2 submissions from 2 submitters: Uncertain significance (2). Last evaluated 2024-03-06.

Conditions:
Hereditary cancer-predisposing syndrome. Also called: Tumor predisposition; Hereditary neoplastic syndrome; Neoplastic Syndromes, Hereditary; Hereditary Cancer Syndrome. Identifiers: Orphanet 140162, MedGen C0027672, MeSH D009386, MONDO:0015356.
Gorlin syndrome. Also called: Basal cell nevus syndrome; Nevoid Basal Cell Carcinoma Syndrome. Identifiers: Orphanet 377, MedGen C0004779, MONDO:0007187.
Medulloblastoma (MDB). Also called: MEDULLOBLASTOMA PREDISPOSITION SYNDROME; Medulloblastoma, somatic. Identifiers: Orphanet 616, MedGen C0025149, MeSH D008527, MONDO:0007959, OMIM 155255, HP:0002885.

Submissions (2):

Ambry Genetics
Classification: Uncertain significance for Hereditary cancer-predisposing syndrome. Last evaluated: 2024-03-06. Review status: criteria provided, single submitter. Criteria: Ambry Variant Classification Scheme 2023. Collection method: clinical testing. Allele origin: germline.
Comment: The c.1296+3G>A intronic variant results from a G to A substitution 3 nucleotides after coding exon 10 in the SUFU gene. This nucleotide position is highly conserved in available vertebrate species. In silico splice site analysis predicts that this alteration will not have any significant effect on splicing; however, direct evidence is insufficient at this time (Ambry internal data). Since supporting evidence is limited at this time, the clinical significance of this alteration remains unclear.

Labcorp Genetics (formerly Invitae), Labcorp
Classification: Uncertain significance for Gorlin syndrome; Medulloblastoma. Last evaluated: 2023-05-17. Review status: criteria provided, single submitter. Criteria: Invitae Variant Classification Sherloc (09022015). Collection method: clinical testing. Allele origin: germline.
Comment: This sequence change falls in intron 10 of the SUFU gene. It does not directly change the encoded amino acid sequence of the SUFU protein. It affects a nucleotide within the consensus splice site. This variant is not present in population databases (gnomAD no frequency). This variant has not been reported in the literature in individuals affected with SUFU-related conditions. ClinVar contains an entry for this variant (Variation ID: 1386464). Variants that disrupt the consensus splice site are a relatively common cause of aberrant splicing (PMID: 17576681, 9536098). Algorithms developed to predict the effect of sequence changes on RNA splicing suggest that this variant is not likely to affect RNA splicing. In summary, the available evidence is currently insufficient to determine the role of this variant in disease. Therefore, it has been classified as a Variant of Uncertain Significance.

Literature cited by the submitters: PubMed 17576681 (cited by Labcorp Genetics (formerly Invitae), Labcorp); PubMed 9536098 (cited by Labcorp Genetics (formerly Invitae), Labcorp).

NM_016169.4(SUFU):c.1296+3G>A

Gene: SUFU (SUFU negative regulator of hedgehog signaling; plus strand). Cytogenetic location: 10q24.32.
Variant type: single nucleotide variant.
Coding change: c.1296+3G>A on transcript NM_016169.4 (MANE Select); 3 bases into the intron after coding-DNA position 1296, G replaced by A.
Molecular consequence: intron variant.
Genome position (GRCh38, 1-based): chr10:102,617,431, G>A. VCF-style: chr10-102617431-G-A. GRCh37 (hg19) VCF-style: chr10-104377188-G-A.
Other names: c.1296+3G>A (NM_001178133.2).
Identifiers: ClinVar variation 1386464 (VCV001386464.8), dbSNP rs2135935586, ClinGen allele CA2573145415.
Genomic context (GRCh38, chr10:102,617,431, plus strand): 5'-GGAAGGCGCCTTTGCCACTGAGGAGCATCCTTACGCGGCTCATGGACCCTGGTTACAAGT[G>A]AGAAGGCCCTTTTTCTTCTCCCTCCTTCCTTTCATAGACTTCCTTGCCCACCCCTCCTCT-3'